The following is an entry in ClinVar:

ClinVar aggregate classification (germline): Uncertain significance (1 of 4 stars; one submission).

Conditions:
TAB2-related disorder.

gnomAD v4.1: 2 of 1,614,206 alleles (0.00012%); highest among the groups gnomAD compares: Non-Finnish European, 0.00017%; no homozygotes.

Submission:

PreventionGenetics, part of Exact Sciences
Classification: Uncertain significance for TAB2-related condition. Last evaluated: 2024-12-24. Review status: criteria provided, single submitter. Criteria: ACMG Guidelines, 2015. Collection method: clinical testing. Allele origin: germline.
Comment: The TAB2 c.262T>G variant is predicted to result in the amino acid substitution p.Tyr88Asp. To our knowledge, this variant has not been reported in the literature or in a large population database (gnomAD), indicating this variant is rare. At this time, the clinical significance of this variant is uncertain due to the absence of conclusive functional and genetic evidence.

NM_001292034.3(TAB2):c.262T>G (p.Tyr88Asp)

Gene: TAB2 (TGF-beta activated kinase 1 (MAP3K7) binding protein 2; plus strand). Cytogenetic location: 6q25.1.
Variant type: single nucleotide variant.
Coding change: c.262T>G on transcript NM_001292034.3 (MANE Select); coding-DNA position 262, T replaced by G.
Protein change: p.Tyr88Asp; replaces tyrosine 88 with aspartic acid.
Molecular consequence: missense variant.
Genome position (GRCh38, 1-based): chr6:149,378,177, T>G. VCF-style: chr6-149378177-T-G. GRCh37 (hg19) VCF-style: chr6-149699313-T-G.
Other names: c.166T>G, p.Tyr56Asp (NM_001292035.3); c.262T>G, p.Tyr88Asp (NM_001369506.1, NM_015093.6); short protein forms Y56D, Y88D.
Identifiers: ClinVar variation 4985739 (VCV004985739.1).